The following is an entry in ClinVar:

ClinVar aggregate classification (germline): Uncertain significance (1 of 4 stars; one submission).

Conditions:
Hereditary spastic paraplegia. Also called: Familial spastic paraparesis. Identifiers: Orphanet 685, MedGen C0037773, MONDO:0019064. Disease mechanism: loss of function.

Allele frequency attached by ClinVar (database versions not stated): gnomAD exomes below 0.00001.
gnomAD v4.1: 2 of 1,525,594 alleles (0.00013%); highest among the groups gnomAD compares: South Asian, 0.0026%; no homozygotes.

Submission:

Labcorp Genetics (formerly Invitae), Labcorp
Classification: Uncertain significance for Hereditary spastic paraplegia. Last evaluated: 2021-02-10. Review status: criteria provided, single submitter. Criteria: Invitae Variant Classification Sherloc (09022015). Collection method: clinical testing. Allele origin: germline.
Comment: This sequence change replaces serine with phenylalanine at codon 592 of the USP8 protein (p.Ser592Phe). The serine residue is weakly conserved and there is a large physicochemical difference between serine and phenylalanine. This variant is not present in population databases (ExAC no frequency). This variant has not been reported in the literature in individuals with USP8-related conditions. Algorithms developed to predict the effect of missense changes on protein structure and function (SIFT, PolyPhen-2, Align-GVGD) all suggest that this variant is likely to be tolerated, but these predictions have not been confirmed by published functional studies and their clinical significance is uncertain. In summary, the available evidence is currently insufficient to determine the role of this variant in disease. Therefore, it has been classified as a Variant of Uncertain Significance.

NM_005154.5(USP8):c.1775C>T (p.Ser592Phe)

Gene: USP8 (ubiquitin specific peptidase 8; plus strand). Cytogenetic location: 15q21.2.
Variant type: single nucleotide variant.
Coding change: c.1775C>T on transcript NM_005154.5 (MANE Select); coding-DNA position 1775, C replaced by T.
Protein change: p.Ser592Phe; replaces serine 592 with phenylalanine.
Molecular consequence: missense variant.
Genome position (GRCh38, 1-based): chr15:50,482,037, C>T. VCF-style: chr15-50482037-C-T. GRCh37 (hg19) VCF-style: chr15-50774234-C-T.
Other names: c.1775C>T, p.Ser592Phe (NM_001128610.3); c.1544C>T, p.Ser515Phe (NM_001283049.2); short protein forms S515F, S592F.
Identifiers: ClinVar variation 1377859 (VCV001377859.8), dbSNP rs1039670134, ClinGen allele CA392395241.